The following is an entry in ClinVar:

NM_000448.3(RAG1):c.2018_2691delinsGCG (p.Ala673fs)

Gene: RAG1 (recombination activating 1; plus strand). Cytogenetic location: 11p12.
Variant type: Indel.
Coding change: c.2018_2691delinsGCG on transcript NM_000448.3 (MANE Select); coding-DNA positions 2018 to 2691, the reference bases replaced by GCG.
Protein change: p.Ala673fs; shifts the reading frame from alanine 673.
Molecular consequence: frameshift variant.
Genome position (GRCh38, 1-based): chr11:36,575,322-36,575,995, 674 bases replaced. GRCh37 (hg19): chr11:36,596,872-36,597,545.
Other names: c.2018_2691delinsGCG, p.Ala673fs (NM_001377277.1, NM_001377278.1, NM_001377279.1 and 1 more transcripts); short protein forms A673fs.
Identifiers: ClinVar variation 2922077 (VCV002922077.3), dbSNP rs2494758555, ClinGen allele CA2740093700.

ClinVar aggregate classification (germline): Pathogenic (1 of 4 stars; one submission).

Conditions:
Severe combined immunodeficiency, autosomal recessive, T cell-negative, B cell-negative, NK cell-positive. Also called: SCID, AR, T-cell negative, B-cell negative, NK cell-positive; SCID, T CELL-NEGATIVE, B CELL-NEGATIVE, NK CELL-POSITIVE; Severe combined immunodeficiency due to complete RAG1/2 deficiency. Identifiers: Orphanet 331206, MedGen C1832322, MONDO:0011086, OMIM 601457.
Combined immunodeficiency with skin granulomas. Identifiers: Orphanet 157949, MedGen C2673536, MONDO:0009306, OMIM 233650.

Submission:

Labcorp Genetics (formerly Invitae), Labcorp
Classification: Pathogenic for Combined immunodeficiency with skin granulomas; Severe combined immunodeficiency, autosomal recessive, T cell-negative, B cell-negative, NK cell-positive. Last evaluated: 2024-01-09. Review status: criteria provided, single submitter. Criteria: Invitae Variant Classification Sherloc (09022015). Collection method: clinical testing. Allele origin: germline.
Comment: This sequence change creates a premature translational stop signal (p.Ala673Glyfs*7) in the RAG1 gene. While this is not anticipated to result in nonsense mediated decay, it is expected to disrupt the last 371 amino acid(s) of the RAG1 protein. This variant is not present in population databases (gnomAD no frequency). This variant has not been reported in the literature in individuals affected with RAG1-related conditions. This variant disrupts a region of the RAG1 protein in which other variant(s) (p.His994Arg) have been determined to be pathogenic (PMID: 33193364; Invitae). This suggests that this is a clinically significant region of the protein, and that variants that disrupt it are likely to be disease-causing. For these reasons, this variant has been classified as Pathogenic.

Literature cited by the submitters: PubMed 33193364.